The following is an entry in ClinVar:

NM_058179.4(PSAT1):c.338A>T (p.Glu113Val)

Gene: PSAT1 (phosphoserine aminotransferase 1; plus strand). Cytogenetic location: 9q21.2.
Variant type: single nucleotide variant.
Coding change: c.338A>T on transcript NM_058179.4 (MANE Select); coding-DNA position 338, A replaced by T.
Protein change: p.Glu113Val; replaces glutamic acid 113 with valine.
Molecular consequence: missense variant.
Genome position (GRCh38, 1-based): chr9:78,304,881, A>T. VCF-style: chr9-78304881-A-T. GRCh37 (hg19) VCF-style: chr9-80919797-A-T.
Other names: c.338A>T, p.Glu113Val (NM_021154.5); short protein forms E113V.
Identifiers: ClinVar variation 976985 (VCV000976985.10), dbSNP rs373888510, ClinGen allele CA5095585.
Genomic context (GRCh38, chr9:78,304,881, plus strand): 5'-TGAAAGCAGGAAGGTGTGCTGACTATGTGGTGACAGGAGCTTGGTCAGCTAAGGCCGCAG[A>T]AGAAGCCAAGAAGTTTGGGACTATAAATATCGTTCACCCTAAACTTGGGAGTTATACAAG-3'
Protein context (NP_478059.1, residues 103-123): VTGAWSAKAA[Glu113Val]EAKKFGTINI

ClinVar aggregate classification (germline): Uncertain significance. Review status: criteria provided, single submitter (1 of 4 stars). 2 submissions from 2 submitters: Uncertain significance (1). 1 of the submissions does not count toward it. Last evaluated 2022-07-19.

Conditions:
Neu-Laxova syndrome 2. Identifiers: Orphanet 2671, Orphanet 583602, MedGen C4015019, MONDO:0014466, OMIM 616038.

Allele frequency attached by ClinVar (database versions not stated): gnomAD exomes below 0.00001 and 0.00001; ExAC 0.00002; gnomAD 0.00003; TOPMed 0.00006; ESP Exome Variant Server 0.00015.
gnomAD v4.1: 9 of 1,613,738 alleles (0.00056%); highest among the groups gnomAD compares: African/African-American, 0.012%; no homozygotes.

Submissions (2):

Labcorp Genetics (formerly Invitae), Labcorp
Classification: Uncertain significance for Neu-Laxova syndrome 2. Last evaluated: 2022-07-19. Review status: criteria provided, single submitter. Criteria: Invitae Variant Classification Sherloc (09022015). Collection method: clinical testing. Allele origin: germline.
Comment: In summary, the available evidence is currently insufficient to determine the role of this variant in disease. Therefore, it has been classified as a Variant of Uncertain Significance. Algorithms developed to predict the effect of sequence changes on RNA splicing suggest that this variant may disrupt the consensus splice site. Experimental studies have shown that this missense change does not substantially affect PSAT1 function (PMID: 32077105). Algorithms developed to predict the effect of missense changes on protein structure and function are either unavailable or do not agree on the potential impact of this missense change (SIFT: "Deleterious"; PolyPhen-2: "Benign"; Align-GVGD: "Class C0"). ClinVar contains an entry for this variant (Variation ID: 976985). This variant has not been reported in the literature in individuals affected with PSAT1-related conditions. This variant is present in population databases (rs373888510, gnomAD 0.02%). This sequence change replaces glutamic acid, which is acidic and polar, with valine, which is neutral and non-polar, at codon 113 of the PSAT1 protein (p.Glu113Val).

Dudley Research Group, Pacific Northwest Research Institute
No classification provided. Review status: no classification provided. Collection method: research, in vivo. Allele origin: unknown, not applicable. Functional consequence: functionally_normal. Not counted in ClinVar's aggregate classification.

Literature cited by the submitters: PubMed 32077105 (cited by Labcorp Genetics (formerly Invitae), Labcorp).